The following is an entry in ClinVar:

ClinVar aggregate classification (germline): Uncertain significance. Review status: criteria provided, single submitter (1 of 4 stars). 2 submissions from 2 submitters: Uncertain significance (1). 1 of the submissions does not count toward it. Last evaluated 2024-08-09.

Conditions:
LAMC2-related disorder. Also called: LAMC2-related condition.

Allele frequency attached by ClinVar (database versions not stated): ExAC 0.00021; gnomAD 0.00063; TOPMed 0.00079; ESP Exome Variant Server 0.00092; 1000 Genomes Project 30x 0.00125; 1000 Genomes Project 0.00140.
gnomAD v4.1: 208 of 1,614,030 alleles (0.013%); highest among the groups gnomAD compares: African/African-American, 0.22%; 2 homozygotes.

Submissions (2):

GeneDx
Classification: Uncertain significance. Last evaluated: 2024-08-09. Review status: criteria provided, single submitter. Criteria: GeneDx Variant Classification Process June 2021. Collection method: clinical testing. Allele origin: germline. Affected: yes.
Comment: In silico analysis supports that this missense variant has a deleterious effect on protein structure/function; Has not been previously published as pathogenic or benign to our knowledge

PreventionGenetics, part of Exact Sciences
Classification: Likely benign for LAMC2-related condition. Last evaluated: 2022-05-17. Review status: no assertion criteria provided. Collection method: clinical testing. Allele origin: germline. Not counted in ClinVar's aggregate classification.
Comment: This variant is classified as likely benign based on ACMG/AMP sequence variant interpretation guidelines (Richards et al. 2015 PMID: 25741868, with internal and published modifications).

NM_005562.3(LAMC2):c.1796G>T (p.Gly599Val)

Gene: LAMC2 (laminin subunit gamma 2; plus strand). Cytogenetic location: 1q25.3.
Variant type: single nucleotide variant.
Coding change: c.1796G>T on transcript NM_005562.3 (MANE Select); coding-DNA position 1796, G replaced by T.
Protein change: p.Gly599Val; replaces glycine 599 with valine.
Molecular consequence: missense variant.
Genome position (GRCh38, 1-based): chr1:183,231,042, G>T. VCF-style: chr1-183231042-G-T. GRCh37 (hg19) VCF-style: chr1-183200177-G-T.
Other names: c.1796G>T, p.Gly599Val (NM_018891.3); short protein forms G599V.
Identifiers: ClinVar variation 3035407 (VCV003035407.3), dbSNP rs146687665, ClinGen allele CA1282732.
Genomic context (GRCh38, chr1:183,231,042, plus strand): 5'-GCTCAGAGCCTGTAGGATGTCGAAGTGATGGCACCTGTGTTTGCAAGCCAGGATTTGGTG[G>T]CCCCAACTGTGAGCATGGAGCATTCAGCTGTCCAGCTTGCTATAATCAAGTGAAGATTCA-3'
Protein context (NP_005553.2, residues 589-609): GTCVCKPGFG[Gly599Val]PNCEHGAFSC